The following is an entry in ClinVar:

ClinVar aggregate classification (germline): Pathogenic/Likely pathogenic. Review status: criteria provided, multiple submitters, no conflicts (2 of 4 stars). 4 submissions from 4 submitters: Pathogenic (2); Likely pathogenic (1). 1 of the submissions does not count toward it. Last evaluated 2025-08-20.

Conditions:
ALMS1-related disorder. Also called: ALMS1-related condition.
Cardiovascular phenotype. Identifiers: MedGen CN230736.
Alstrom syndrome (ALMS). Identifiers: Orphanet 64, MedGen C0268425, MONDO:0008763, OMIM 203800.

Allele frequency attached by ClinVar (database versions not stated): gnomAD 0.00001 and 0.00002.

Submissions (4):

Ambry Genetics
Classification: Pathogenic for Cardiovascular phenotype. Last evaluated: 2025-08-20. Review status: criteria provided, single submitter. Criteria: Ambry Variant Classification Scheme 2023. Collection method: clinical testing. Allele origin: germline.
Comment: The c.11670delA pathogenic mutation, located in coding exon 17 of the ALMS1 gene, results from a deletion of one nucleotide at nucleotide position 11670, causing a translational frameshift with a predicted alternate stop codon (p.G3891Vfs*6). This variant is considered to be rare based on population cohorts in the Genome Aggregation Database (gnomAD). This alteration is expected to result in loss of function by premature protein truncation or nonsense-mediated mRNA decay. As such, this alteration is interpreted as a disease-causing mutation.

Labcorp Genetics (formerly Invitae), Labcorp
Classification: Pathogenic for Alstrom syndrome. Last evaluated: 2024-12-23. Review status: criteria provided, single submitter. Criteria: Invitae Variant Classification Sherloc (09022015). Collection method: clinical testing. Allele origin: germline.
Comment: This sequence change creates a premature translational stop signal (p.Gly3891Valfs*6) in the ALMS1 gene. It is expected to result in an absent or disrupted protein product. Loss-of-function variants in ALMS1 are known to be pathogenic (PMID: 17594715). This variant is not present in population databases (gnomAD no frequency). This variant has not been reported in the literature in individuals affected with ALMS1-related conditions. ClinVar contains an entry for this variant (Variation ID: 556325). For these reasons, this variant has been classified as Pathogenic.

Blueprint Genetics
Classification: Likely pathogenic for ALMS1-related disorders. Last evaluated: 2021-11-03. Review status: criteria provided, single submitter. Criteria: ACMG Guidelines, 2015. Collection method: clinical testing. Allele origin: germline. Affected: yes. Observed: 1 variant allele.

Counsyl
Classification: Likely pathogenic for Alstrom syndrome. Last evaluated: 2018-01-30. Review status: no assertion criteria provided. Collection method: clinical testing. Allele origin: unknown. Not counted in ClinVar's aggregate classification.

Literature cited by the submitters: PubMed 17594715 (cited by Labcorp Genetics (formerly Invitae), Labcorp).

NM_001378454.1(ALMS1):c.11667del (p.Gly3890fs)

Gene: ALMS1 (ALMS1 centrosome and basal body associated protein; plus strand). Cytogenetic location: 2p13.1.
Variant type: Deletion.
Coding change: c.11667del on transcript NM_001378454.1 (MANE Select); coding-DNA position 11667, one base deleted (A; older notation c.11667delA).
Protein change: p.Gly3890fs; shifts the reading frame from glycine 3890.
Molecular consequence: frameshift variant.
Genome position (GRCh38, 1-based): chr2:73,599,520, A deleted. VCF-style (leftmost placement, unchanged base first): chr2-73599519-CA-C. GRCh37 (hg19) VCF-style: chr2-73826646-CA-C.
Other names: c.11670del, p.Gly3891fs (NM_015120.4); c.11670delA (NM_015120.4); short protein forms G3891fs, G3890fs.
Identifiers: ClinVar variation 556325 (VCV000556325.11), dbSNP rs1553421496, ClinGen allele CA658822836.